The following is an entry in ClinVar:

ClinVar aggregate classification (germline): Uncertain significance (1 of 4 stars; one submission).

Submission:

Ambry Genetics
Classification: Uncertain significance. Last evaluated: 2025-12-15. Review status: criteria provided, single submitter. Criteria: Ambry Variant Classification Scheme 2023. Collection method: clinical testing. Allele origin: germline.
Comment: The p.A948V variant (also known as c.2843C>T), located in coding exon 25 of the KIF1B gene, results from a C to T substitution at nucleotide position 2843. The alanine at codon 948 is replaced by valine, an amino acid with similar properties. This amino acid position is conserved. In addition, this alteration is predicted to be deleterious by in silico analysis. Based on the available evidence, the clinical significance of this variant remains unclear.

NM_001365951.3(KIF1B):c.2981C>T (p.Ala994Val)

Gene: KIF1B (kinesin family member 1B; plus strand). Cytogenetic location: 1p36.22.
Variant type: single nucleotide variant.
Coding change: c.2981C>T on transcript NM_001365951.3 (MANE Select); coding-DNA position 2981, C replaced by T.
Protein change: p.Ala994Val; replaces alanine 994 with valine.
Molecular consequence: missense variant.
Genome position (GRCh38, 1-based): chr1:10,334,576, C>T. VCF-style: chr1-10334576-C-T. GRCh37 (hg19) VCF-style: chr1-10394634-C-T.
Other names: c.2981C>T, p.Ala994Val (NM_001365952.1); c.2843C>T, p.Ala948Val (NM_015074.3); short protein forms A948V, A994V.
Identifiers: ClinVar variation 4841863 (VCV004841863.1).